The following is an entry in ClinVar:

ClinVar aggregate classification (germline): Conflicting classifications of pathogenicity. Review status: criteria provided, conflicting classifications (1 of 4 stars). 5 submissions from 5 submitters: Uncertain significance (2); Likely benign (2). 1 of the submissions does not count toward it. Last evaluated 2026-01-24.

Conditions:
CDH23-related disorder. Also called: CDH23-related condition; CDH23-related disorders.
Inborn genetic diseases. Identifiers: MedGen C0950123, MeSH D030342.
Usher syndrome type 1 (USH1). Also called: RETINITIS PIGMENTOSA AND CONGENITAL DEAFNESS. Identifiers: Orphanet 231169, Orphanet 886, MedGen C1568247, MONDO:0010168, OMIM 276900.

Allele frequency attached by ClinVar (database versions not stated): gnomAD exomes below 0.00001; ExAC 0.00002; TOPMed 0.00002; gnomAD 0.00003.
gnomAD v4.1: 10 of 1,613,648 alleles (0.00062%); highest among the groups gnomAD compares: Middle Eastern, 0.016%; no homozygotes.

Submissions (5):

Labcorp Genetics (formerly Invitae), Labcorp
Classification: Uncertain significance. Last evaluated: 2026-01-24. Review status: criteria provided, single submitter. Criteria: Invitae Variant Classification Sherloc (09022015). Collection method: clinical testing. Allele origin: germline.
Comment: This sequence change affects codon 3026 of the CDH23 mRNA. It is a 'silent' change, meaning that it does not change the encoded amino acid sequence of the CDH23 protein. It affects a nucleotide within the consensus splice site. This variant is present in population databases (rs727504725, gnomAD 0.006%). This variant has been observed in individual(s) with inherited retinal disease (PMID: 32483926). ClinVar contains an entry for this variant (Variation ID: 179230). Algorithms developed to predict the effect of sequence changes on RNA splicing suggest that this variant is not likely to affect RNA splicing. In summary, the available evidence is currently insufficient to determine the role of this variant in disease. Therefore, it has been classified as a Variant of Uncertain Significance.

PreventionGenetics, part of Exact Sciences
Classification: Likely benign for CDH23-related condition. Last evaluated: 2025-07-22. Review status: criteria provided, single submitter. Criteria: ACMG Guidelines, 2015. Collection method: clinical testing. Allele origin: germline.
Comment: This variant is classified as likely benign based on ACMG/AMP sequence variant interpretation guidelines (Richards et al. 2015 PMID: 25741868, with internal and published modifications).

Ambry Genetics
Classification: Likely benign for Inborn genetic diseases. Last evaluated: 2025-06-24. Review status: criteria provided, single submitter. Criteria: Ambry Variant Classification Scheme 2023. Collection method: clinical testing. Allele origin: germline.

Laboratory for Molecular Medicine, Mass General Brigham Personalized Medicine
Classification: Uncertain significance. Last evaluated: 2013-09-05. Review status: criteria provided, single submitter. Criteria: LMM Criteria. Collection method: clinical testing. Allele origin: germline. Observed: 3 variant alleles.
Comment: The Arg3026Arg variant in CDH23 has not been reported in individuals with hearin g loss or in large population studies. Although this is a synonymous variant, it is located in the first base of the exon, which is part of the 3? splice region , and variants at this position can sometimes alter normal splicing. Computation al tools do not predict altered splicing, however, this information is not predi ctive enough to rule out pathogenicity. In summary, additional information is ne eded to fully assess the clinical significance of the Arg3026Arg variant.

Natera, Inc.
Classification: Uncertain significance for Usher syndrome type 1. Last evaluated: 2020-08-27. Review status: no assertion criteria provided. Collection method: clinical testing. Allele origin: germline. Not counted in ClinVar's aggregate classification.

Literature cited by the submitters: PubMed 32483926 (cited by Labcorp Genetics (formerly Invitae), Labcorp).

NM_022124.6(CDH23):c.9078G>C (p.Arg3026=)

Gene: CDH23 (cadherin related 23; plus strand). Cytogenetic location: 10q22.1.
Variant type: single nucleotide variant.
Coding change: c.9078G>C on transcript NM_022124.6 (MANE Select); coding-DNA position 9078, G replaced by C.
Protein change: p.Arg3026=; no amino-acid change (arginine 3026 retained).
Molecular consequence: synonymous variant.
Genome position (GRCh38, 1-based): chr10:71,811,315, G>C. VCF-style: chr10-71811315-G-C. GRCh37 (hg19) VCF-style: chr10-73571072-G-C.
Other names: c.2358G>C, p.Arg786= (NM_001171933.1, NM_001171934.1).
Identifiers: ClinVar variation 179230 (VCV000179230.10), dbSNP rs727504725, ClinGen allele CA184009.